The following is an entry in ClinVar:

NM_000548.5(TSC2):c.2590C>T (p.Gln864Ter)

Gene: TSC2 (TSC complex subunit 2; plus strand). Cytogenetic location: 16p13.3.
Variant type: single nucleotide variant.
Coding change: c.2590C>T on transcript NM_000548.5 (MANE Select); coding-DNA position 2590, C replaced by T.
Protein change: p.Gln864Ter; replaces glutamine 864 with a stop codon.
Molecular consequence: nonsense.
Genome position (GRCh38, 1-based): chr16:2,075,843, C>T. VCF-style: chr16-2075843-C-T. GRCh37 (hg19) VCF-style: chr16-2125844-C-T.
Other names: p.Gln864*; c.2590C>T, p.Gln864Ter (NM_001077183.3, NM_001114382.3, NM_001363528.2 and 3 more transcripts); c.2479C>T, p.Gln827Ter (NM_001318827.2); c.2443C>T, p.Gln815Ter (NM_001318829.2); c.1990C>T, p.Gln664Ter (NM_001318831.2); c.2623C>T, p.Gln875Ter (NM_001318832.2); short protein forms Q864*, Q815*, Q827*, Q875*, Q664*.
Identifiers: ClinVar variation 50080 (VCV000050080.14), dbSNP rs45517250, ClinGen allele CA017705.

ClinVar aggregate classification (germline): Pathogenic. Review status: criteria provided, multiple submitters, no conflicts (2 of 4 stars). 5 submissions from 5 submitters: Pathogenic (4). 1 of the submissions does not count toward it. Last evaluated 2025-01-27.

Conditions:
Tuberous sclerosis syndrome (TSC). Also called: Tuberous Sclerosis Complex; Tuberous sclerosis. Identifiers: Orphanet 805, MedGen C0041341, MONDO:0001734.
Tuberous sclerosis 2 (TSC2). Identifiers: Orphanet 805, MedGen C1860707, MONDO:0013199, OMIM 613254.

Submissions (5):

ARUP Laboratories, Molecular Genetics and Genomics, ARUP Laboratories
Classification: Pathogenic. Last evaluated: 2025-01-27. Review status: criteria provided, single submitter. Criteria: ARUP Molecular Germline Variant Investigation Process 2024. Collection method: clinical testing. Allele origin: germline.
Comment: The TSC2 c.2590C>T; p.Gln864Ter variant (rs45517250, ClinVar Variation ID: 50080) is reported in the literature in an individual affected with sporadic tuberous sclerosis (Beauchamp 1998). This variant is absent from the Genome Aggregation Database (v2.1.1), indicating it is not a common polymorphism. This variant induces an early termination codon and is predicted to result in a truncated protein or mRNA subject to nonsense-mediated decay. Based on available information, this variant is considered to be pathogenic. References: Beauchamp RL et al. Exon scanning of the entire TSC2 gene for germline mutations in 40 unrelated patients with tuberous sclerosis. Hum Mutat. 1998;12(6):408-16. PMID: 9829910.

GeneDx
Classification: Pathogenic. Last evaluated: 2024-09-12. Review status: criteria provided, single submitter. Criteria: GeneDx Variant Classification Process June 2021. Collection method: clinical testing. Allele origin: germline. Affected: yes.
Comment: Nonsense variant predicted to result in protein truncation or nonsense mediated decay in a gene for which loss of function is a known mechanism of disease; Not observed at significant frequency in large population cohorts (gnomAD); This variant is associated with the following publications: (PMID: 25525159, 15798777, 18032745, 25498131, 29101226, 9829910, West2023[CaseReport], 29476190, 25782670)

Labcorp Genetics (formerly Invitae), Labcorp
Classification: Pathogenic for Tuberous sclerosis 2. Last evaluated: 2022-12-06. Review status: criteria provided, single submitter. Criteria: Invitae Variant Classification Sherloc (09022015). Collection method: clinical testing. Allele origin: germline.
Comment: This sequence change creates a premature translational stop signal (p.Gln864*) in the TSC2 gene. It is expected to result in an absent or disrupted protein product. Loss-of-function variants in TSC2 are known to be pathogenic (PMID: 10205261, 17304050). This variant is not present in population databases (gnomAD no frequency). This premature translational stop signal has been observed in individual(s) with tuberous sclerosis complex (PMID: 9829910). ClinVar contains an entry for this variant (Variation ID: 50080). For these reasons, this variant has been classified as Pathogenic.

Mayo Clinic Laboratories, Mayo Clinic
Classification: Pathogenic. Last evaluated: 2021-04-05. Review status: criteria provided, single submitter. Criteria: ACMG Guidelines, 2015. Collection method: clinical testing. Allele origin: germline.
Comment: PVS1, PM2, PM6, PP4

Tuberous sclerosis database (TSC2)
No classification provided. Condition: TSC. Review status: no classification provided. Criteria: Tuberous Sclerosis Database Assertion Criteria 2015. Collection method: curation. Allele origin: germline. Affected: yes. Not counted in ClinVar's aggregate classification.

Literature cited by the submitters: PubMed 10205261 (cited by Labcorp Genetics (formerly Invitae), Labcorp); PubMed 17304050 (cited by Labcorp Genetics (formerly Invitae), Labcorp); PubMed 9829910 (cited by Labcorp Genetics (formerly Invitae), Labcorp and Mayo Clinic Laboratories, Mayo Clinic); PubMed 18032745 (cited by Mayo Clinic Laboratories, Mayo Clinic); PubMed 15798777 (cited by Mayo Clinic Laboratories, Mayo Clinic).